The following is an entry in ClinVar:

NM_000937.5(POLR2A):c.5079G>A (p.Ser1693=)

Gene: POLR2A (RNA polymerase II subunit A; plus strand). Cytogenetic location: 17p13.1.
Variant type: single nucleotide variant.
Coding change: c.5079G>A on transcript NM_000937.5 (MANE Select); coding-DNA position 5079, G replaced by A.
Protein change: p.Ser1693=; no amino-acid change (serine 1693 retained).
Molecular consequence: synonymous variant.
Genome position (GRCh38, 1-based): chr17:7,513,343, G>A. VCF-style: chr17-7513343-G-A. GRCh37 (hg19) VCF-style: chr17-7416662-G-A.
Identifiers: ClinVar variation 4533724 (VCV004533724.7).
Genomic context (GRCh38, chr17:7,513,343, plus strand): 5'-CACCTCTCCCAGCTACTCACCCACTTCCCCTAGCTACTCGCCCACTTCCCCTAGCTACTC[G>A]CCAACGTCTCCCAGCTACTCGCCGACATCTCCCAGCTACTCGCCAACTTCACCCAGCTAT-3'
Protein context (NP_000928.1, residues 1683-1703): PSYSPTSPSY[Ser1693=]PTSPSYSPTS

ClinVar aggregate classification (germline): Likely benign. Review status: criteria provided, multiple submitters, no conflicts (2 of 4 stars). 2 submissions from 2 submitters: Likely benign (2). Last evaluated 2025-10-01.

Submissions (2):

CeGaT Center for Human Genetics Tuebingen
Classification: Likely benign. Last evaluated: 2025-10-01. Review status: criteria provided, single submitter. Criteria: CeGaT Center For Human Genetics Tuebingen Variant Classification Criteria Version 2. Collection method: clinical testing. Allele origin: germline. Affected: yes. Observed: 1 variant allele.
Comment: POLR2A: BP4, BP7

Blueprint Genetics
Classification: Likely benign. Last evaluated: 2022-12-30. Review status: criteria provided, single submitter. Criteria: ACMG Guidelines, 2015. Collection method: clinical testing. Allele origin: germline.